The following is an entry in ClinVar:

NM_000059.4(BRCA2):c.206C>G (p.Pro69Arg)

Gene: BRCA2 (BRCA2 DNA repair associated; plus strand). Cytogenetic location: 13q13.1.
Variant type: single nucleotide variant.
Coding change: c.206C>G on transcript NM_000059.4 (MANE Select); coding-DNA position 206, C replaced by G.
Protein change: p.Pro69Arg; replaces proline 69 with arginine.
Molecular consequence: missense variant. On other transcripts: 5 prime UTR variant (1), non-coding transcript variant (1).
Genome position (GRCh38, 1-based): chr13:32,319,215, C>G. VCF-style: chr13-32319215-C-G. GRCh37 (hg19) VCF-style: chr13-32893352-C-G.
Other names: c.206C>G, p.Pro69Arg (NM_001406719.1, NM_001406720.1, NM_001406721.1); c.-164C>G (NM_001406722.1); short protein forms P69R.
Identifiers: ClinVar variation 2586299 (VCV002586299.2), dbSNP rs2138704833, ClinGen allele CA387754416.
Genomic context (GRCh38, chr13:32,319,215, plus strand): 5'-AATCTGAACATAAAAACAACAATTACGAACCAAACCTATTTAAAACTCCACAAAGGAAAC[C>G]ATCTTATAATCAGCTGGCTTCAACTCCAATAATATTCAAAGAGCAAGGGCTGACTCTGCC-3'
Protein context (NP_000050.3, residues 59-79): PNLFKTPQRK[Pro69Arg]SYNQLASTPI

ClinVar aggregate classification (germline): Uncertain significance (1 of 4 stars; one submission).

Conditions:
Hereditary cancer-predisposing syndrome. Also called: Hereditary neoplastic syndrome; Tumor predisposition; Hereditary Cancer Syndrome; Neoplastic Syndromes, Hereditary. Identifiers: Orphanet 140162, MedGen C0027672, MeSH D009386, MONDO:0015356.

Submission:

Ambry Genetics
Classification: Uncertain significance for Hereditary cancer-predisposing syndrome. Last evaluated: 2023-08-14. Review status: criteria provided, single submitter. Criteria: Ambry Variant Classification Scheme 2023. Collection method: clinical testing. Allele origin: germline.
Comment: The p.P69R variant (also known as c.206C>G), located in coding exon 2 of the BRCA2 gene, results from a C to G substitution at nucleotide position 206. The proline at codon 69 is replaced by arginine, an amino acid with dissimilar properties. This amino acid position is conserved. In addition, this alteration is predicted to be tolerated by in silico analysis. Since supporting evidence is limited at this time, the clinical significance of this alteration remains unclear.